The following is an entry in ClinVar:

ClinVar aggregate classification (germline): Pathogenic/Likely pathogenic. Review status: criteria provided, multiple submitters, no conflicts (2 of 4 stars). 2 submissions from 2 submitters: Pathogenic (1); Likely pathogenic (1). Last evaluated 2025-03-31.

Conditions:
Bilateral frontoparietal polymicrogyria. Also called: CORTICAL DYSPLASIA, COMPLEX, WITH OTHER BRAIN MALFORMATIONS 14A (BILATERAL FRONTOPARIETAL); CEREBELLAR ATAXIA WITH NEURONAL MIGRATION DEFECT. Identifiers: Orphanet 101070, MedGen C1847352, MONDO:0011738, OMIM 606854.

Submissions (2):

Natera, Inc.
Classification: Likely pathogenic for Bilateral frontoparietal polymicrogyria. Last evaluated: 2025-03-31. Review status: criteria provided, single submitter. Criteria: Natera Variant Classification Schema (03/2026). Collection method: clinical testing. Allele origin: germline.
Comment: The c.1131C>A variant in ADGRG1 is a nonsense variant predicted to introduce a stop codon at amino acid 377. This variant is expected to result in nonsense mediated decay, truncation, or a dysfunctional protein product. This variant is rare in the general population with a frequency below the threshold expected for the associated phenotype(s). Given the available evidence, this variant is classified as Likely Pathogenic.

Labcorp Genetics (formerly Invitae), Labcorp
Classification: Pathogenic. Last evaluated: 2022-08-20. Review status: criteria provided, single submitter. Criteria: Invitae Variant Classification Sherloc (09022015). Collection method: clinical testing. Allele origin: germline.
Comment: For these reasons, this variant has been classified as Pathogenic. This variant has not been reported in the literature in individuals affected with ADGRG1-related conditions. This variant is not present in population databases (gnomAD no frequency). This sequence change creates a premature translational stop signal (p.Cys377*) in the ADGRG1 gene. It is expected to result in an absent or disrupted protein product. Loss-of-function variants in ADGRG1 are known to be pathogenic (PMID: 15044805, 20929962).

Literature cited by the submitters: PubMed 15044805 (cited by Labcorp Genetics (formerly Invitae), Labcorp); PubMed 20929962 (cited by Labcorp Genetics (formerly Invitae), Labcorp).

NM_201525.4(ADGRG1):c.1131C>A (p.Cys377Ter)

Gene: ADGRG1 (adhesion G protein-coupled receptor G1; plus strand). Cytogenetic location: 16q21.
Variant type: single nucleotide variant.
Coding change: c.1131C>A on transcript NM_201525.4 (MANE Select); coding-DNA position 1131, C replaced by A.
Protein change: p.Cys377Ter; replaces cysteine 377 with a stop codon.
Molecular consequence: nonsense.
Genome position (GRCh38, 1-based): chr16:57,656,581, C>A. VCF-style: chr16-57656581-C-A. GRCh37 (hg19) VCF-style: chr16-57690493-C-A.
Other names: c.1131C>A, p.Cys377Ter (NM_001370436.1, NM_001370437.1, NM_001370438.1 and 14 more transcripts); c.1128C>A, p.Cys376Ter (NM_001370441.1, NM_001370434.1); c.975C>A, p.Cys325Ter (NM_001370442.1); c.606C>A, p.Cys202Ter (NM_001370451.1, NM_001370453.1, NM_001370454.1 and 2 more transcripts); c.1131C>A (NM_005682.6); c.1146C>A, p.Cys382Ter (NM_001145773.3, NM_001370433.1); c.621C>A, p.Cys207Ter (NM_001290142.2); short protein forms C325*, C202*, C207*, C376*, C377*, C382*.
Identifiers: ClinVar variation 2025254 (VCV002025254.6), dbSNP rs1597578721, ClinGen allele CA396048906.